The following is an entry in ClinVar:

NM_007294.4(BRCA1):c.491C>T (p.Thr164Ile)

Gene: BRCA1 (BRCA1 DNA repair associated; minus strand). Cytogenetic location: 17q21.31.
Variant type: single nucleotide variant.
Coding change: c.491C>T on transcript NM_007294.4 (MANE Select); coding-DNA position 491, C replaced by T.
Protein change: p.Thr164Ile; replaces threonine 164 with isoleucine.
Molecular consequence: missense variant. On other transcripts: non-coding transcript variant (1).
Genome position (GRCh38, 1-based): chr17:43,099,831, G>A on the plus strand (C>T on the coding strand, the complement: BRCA1 is on the minus strand). VCF-style: chr17-43099831-G-A. GRCh37 (hg19) VCF-style: chr17-41251848-G-A.
Other names: c.350C>T, p.Thr117Ile (NM_001408452.1, NM_001408453.1, NM_001408454.1 and 61 more transcripts); c.347C>T, p.Thr116Ile (NM_001408462.1, NM_001408463.1, NM_001408464.1 and 35 more transcripts); c.491C>T, p.Thr164Ile (NM_001408472.1, NM_001408494.1, NM_007298.4 and 97 more transcripts); c.488C>T, p.Thr163Ile (NM_001408473.1, NM_001408495.1, NM_001407587.1 and 65 more transcripts); c.413C>T, p.Thr138Ile (NM_001408474.1, NM_001408476.1, NM_001407653.1 and 12 more transcripts); c.410C>T, p.Thr137Ile (NM_001408475.1, NM_001407659.1, NM_001407660.1 and 6 more transcripts); c.281C>T, p.Thr94Ile (NM_001408478.1, NM_001408479.1, NM_001408480.1 and 37 more transcripts); c.278C>T, p.Thr93Ile (NM_001408490.1, NM_001408491.1, NM_001408493.1 and 18 more transcripts); and 4 more; short protein forms T164I, T117I, T116I, T119I, T93I, T138I, T161I, T137I.
Identifiers: ClinVar variation 482962 (VCV000482962.16), dbSNP rs1555594889, ClinGen allele CA10601157.

ClinVar aggregate classification (germline): Uncertain significance. Review status: criteria provided, multiple submitters, no conflicts (2 of 4 stars). 3 submissions from 3 submitters: Uncertain significance (3). Last evaluated 2025-08-04.

Conditions:
Hereditary cancer-predisposing syndrome. Also called: Tumor predisposition; Hereditary Cancer Syndrome; Hereditary neoplastic syndrome; Neoplastic Syndromes, Hereditary. Identifiers: Orphanet 140162, MedGen C0027672, MeSH D009386, MONDO:0015356.
Hereditary breast ovarian cancer syndrome. Also called: Breast and ovarian cancer; Hereditary breast and/or ovarian cancer syndrome; BRCA1- and BRCA2-Associated Hereditary Breast and Ovarian Cancer; Hereditary breast and ovarian cancer syndrome; Hereditary breast and ovarian cancer syndrome (HBOC); Hereditary breast and ovarian cancer. Identifiers: Orphanet 145, MedGen C0677776, MeSH D061325, MONDO:0003582. Disease mechanism: loss of function.
Breast-ovarian cancer, familial, susceptibility to, 1 (BROVCA1). Also called: BRCA1 Hereditary Breast and Ovarian Cancer; OVARIAN CANCER, SUSCEPTIBILITY TO. Identifiers: Orphanet 145, MedGen C2676676, MONDO:0011450, OMIM 604370. Disease mechanism: loss of function.
Pancreatic cancer, susceptibility to, 4. Identifiers: Orphanet 1333, MedGen C3280442, MONDO:0013685, OMIM 614320.
Fanconi anemia, complementation group S (FANCS). Identifiers: MedGen C4554406, MONDO:0054748, OMIM 617883.

Allele frequency attached by ClinVar (database versions not stated): gnomAD exomes below 0.00001.
gnomAD v4.1: 1 of 1,613,864 alleles (0.000062%); highest among the groups gnomAD compares: Non-Finnish European, 0.000085%; no homozygotes.

Submissions (3):

Labcorp Genetics (formerly Invitae), Labcorp
Classification: Uncertain significance for Hereditary breast ovarian cancer syndrome. Last evaluated: 2025-08-04. Review status: criteria provided, single submitter. Criteria: Invitae Variant Classification Sherloc (09022015). Collection method: clinical testing. Allele origin: germline.
Comment: This sequence change replaces threonine, which is neutral and polar, with isoleucine, which is neutral and non-polar, at codon 164 of the BRCA1 protein (p.Thr164Ile). This variant is not present in population databases (gnomAD no frequency). This variant has not been reported in the literature in individuals affected with BRCA1-related conditions. ClinVar contains an entry for this variant (Variation ID: 482962). Invitae Evidence Modeling of protein sequence and biophysical properties (such as structural, functional, and spatial information, amino acid conservation, physicochemical variation, residue mobility, and thermodynamic stability) indicates that this missense variant is not expected to disrupt BRCA1 protein function with a negative predictive value of 80%. In summary, the available evidence is currently insufficient to determine the role of this variant in disease. Therefore, it has been classified as a Variant of Uncertain Significance.

Fulgent Genetics
Classification: Uncertain significance for Breast-ovarian cancer, familial, susceptibility to, 1; Pancreatic cancer, susceptibility to, 4; Fanconi anemia, complementation group S. Last evaluated: 2024-04-16. Review status: criteria provided, single submitter. Criteria: ACMG Guidelines, 2015. Collection method: clinical testing. Allele origin: germline.

Ambry Genetics
Classification: Uncertain significance for Hereditary cancer-predisposing syndrome. Last evaluated: 2023-03-25. Review status: criteria provided, single submitter. Criteria: Ambry Variant Classification Scheme 2023. Collection method: clinical testing. Allele origin: germline.
Comment: The p.T164I variant (also known as c.491C>T), located in coding exon 6 of the BRCA1 gene, results from a C to T substitution at nucleotide position 491. The threonine at codon 164 is replaced by isoleucine, an amino acid with similar properties. In one study, this variant was detected in 1/146 Chinese patients with serous ovarian cancer (Li D et al. J. Exp. Clin. Cancer Res., 2013 Dec;32:102).This amino acid position is poorly conserved in available vertebrate species. In addition, this alteration is predicted to be deleterious by in silico analysis. Since supporting evidence is limited at this time, the clinical significance of this alteration remains unclear.

Literature cited by the submitters: PubMed 16998791 (cited by Ambry Genetics); PubMed 24321281 (cited by Ambry Genetics); PubMed 24629067 (cited by Ambry Genetics).